The following is an entry in ClinVar:

NM_030962.4(SBF2):c.3989T>C (p.Val1330Ala)

Gene: SBF2 (SET binding factor 2; minus strand). Cytogenetic location: 11p15.4.
Variant type: single nucleotide variant.
Coding change: c.3989T>C on transcript NM_030962.4 (MANE Select); coding-DNA position 3989, T replaced by C.
Protein change: p.Val1330Ala; replaces valine 1330 with alanine.
Molecular consequence: missense variant.
Genome position (GRCh38, 1-based): chr11:9,812,698, A>G on the plus strand (T>C on the coding strand, the complement: SBF2 is on the minus strand). VCF-style: chr11-9812698-A-G. GRCh37 (hg19) VCF-style: chr11-9834245-A-G.
Other names: c.4085T>C, p.Val1362Ala (NM_001386339.1); c.3860T>C, p.Val1287Ala (NM_001386342.1); short protein forms V1330A, V1287A, V1362A.
Identifiers: ClinVar variation 403857 (VCV000403857.14), dbSNP rs147350002, ClinGen allele CA5881079.

ClinVar aggregate classification (germline): Uncertain significance. Review status: criteria provided, multiple submitters, no conflicts (2 of 4 stars). 3 submissions from 3 submitters: Uncertain significance (3). Last evaluated 2025-12-11.

Conditions:
Inborn genetic diseases. Identifiers: MedGen C0950123, MeSH D030342.
Charcot-Marie-Tooth disease type 4. Also called: Charcot-Marie-Tooth disease, type IV; Charcot-Marie-Tooth, Type 4. Identifiers: Orphanet 64749, MedGen C4082197, MONDO:0018995.
Charcot-Marie-Tooth disease type 4B2. Also called: CHARCOT-MARIE-TOOTH DISEASE, WITH FOCALLY FOLDED MYELIN SHEATHS, AUTOSOMAL RECESSIVE, TYPE 4B2; Charcot-Marie-Tooth Neuropathy Type 4B2; CMT 4B2; CHARCOT-MARIE-TOOTH DISEASE, DEMYELINATING, TYPE 4B2. Identifiers: Orphanet 99956, MedGen C1858278, MONDO:0011475, OMIM 604563.

Allele frequency attached by ClinVar (database versions not stated): gnomAD exomes 0.00004 and 0.00006; ExAC 0.00005; TOPMed 0.00006; ESP Exome Variant Server 0.00015; gnomAD 0.00005 and 0.00006.
gnomAD v4.1: 108 of 1,614,072 alleles (0.0067%); highest among the groups gnomAD compares: Non-Finnish European, 0.0083%; no homozygotes.

Submissions (3):

GeneDx
Classification: Uncertain significance. Last evaluated: 2025-12-11. Review status: criteria provided, single submitter. Criteria: GeneDx Variant Classification Process June 2021. Collection method: clinical testing. Allele origin: germline. Affected: yes.
Comment: In silico analysis suggests that this missense variant does not alter protein structure/function; Has not been previously published as pathogenic or benign to our knowledge

Ambry Genetics
Classification: Uncertain significance for Inborn genetic diseases. Last evaluated: 2024-02-27. Review status: criteria provided, single submitter. Criteria: Ambry Variant Classification Scheme 2023. Collection method: clinical testing. Allele origin: germline.

Labcorp Genetics (formerly Invitae), Labcorp
Classification: Uncertain significance for Charcot-Marie-Tooth disease type 4. Last evaluated: 2022-08-16. Review status: criteria provided, single submitter. Criteria: Invitae Variant Classification Sherloc (09022015). Collection method: clinical testing. Allele origin: germline.
Comment: This sequence change replaces valine, which is neutral and non-polar, with alanine, which is neutral and non-polar, at codon 1330 of the SBF2 protein (p.Val1330Ala). This variant is present in population databases (rs147350002, gnomAD 0.008%). This variant has not been reported in the literature in individuals affected with SBF2-related conditions. ClinVar contains an entry for this variant (Variation ID: 403857). Algorithms developed to predict the effect of missense changes on protein structure and function are either unavailable or do not agree on the potential impact of this missense change (SIFT: "Deleterious"; PolyPhen-2: "Benign"; Align-GVGD: "Class C0"). In summary, the available evidence is currently insufficient to determine the role of this variant in disease. Therefore, it has been classified as a Variant of Uncertain Significance.